The following is an entry in ClinVar:

ClinVar aggregate classification (germline): Uncertain significance. Review status: criteria provided, multiple submitters, no conflicts (2 of 4 stars). 2 submissions from 2 submitters: Uncertain significance (2). Last evaluated 2026-08-23.

Conditions:
Cowden syndrome 3 (CWS3). Identifiers: Orphanet 201, MedGen CN166604, MONDO:0014045.
Carney-Stratakis syndrome. Also called: PARAGANGLIOMA AND GASTROINTESTINAL STROMAL TUMOR. Identifiers: Orphanet 97286, MedGen C1847319, MONDO:0011740, OMIM 606864.
Pheochromocytoma. Also called: MAX-Related Hereditary Paraganglioma-Pheochromocytoma Syndrome. Identifiers: Orphanet 29072, MedGen C0031511, MONDO:0008233, OMIM 171300, HP:0002666.
Paragangliomas with sensorineural hearing loss. Identifiers: MedGen C1868633.
Hereditary cancer-predisposing syndrome. Also called: Hereditary Cancer Syndrome; Tumor predisposition; Neoplastic Syndromes, Hereditary; Hereditary neoplastic syndrome. Identifiers: Orphanet 140162, MedGen C0027672, MeSH D009386, MONDO:0015356.

Allele frequency attached by ClinVar (database versions not stated): gnomAD exomes below 0.00001.

Submissions (2):

Ambry Genetics
Classification: Uncertain significance for Hereditary cancer-predisposing syndrome. Last evaluated: 2026-08-23. Review status: criteria provided, single submitter. Criteria: Ambry Variant Classification Scheme 2023. Collection method: clinical testing. Allele origin: germline.
Comment: The p.L159P variant (also known as c.476T>C), located in coding exon 4 of the SDHD gene, results from a T to C substitution at nucleotide position 476. The leucine at codon 159 is replaced by proline, an amino acid with similar properties. This amino acid position is conserved. In addition, this alteration is predicted to be deleterious by in silico analysis. Based on the available evidence, the clinical significance of this variant remains unclear.

Labcorp Genetics (formerly Invitae), Labcorp
Classification: Uncertain significance for Carney-Stratakis syndrome; Paragangliomas with sensorineural hearing loss; Pheochromocytoma; Cowden syndrome 3. Last evaluated: 2024-07-03. Review status: criteria provided, single submitter. Criteria: Invitae Variant Classification Sherloc (09022015). Collection method: clinical testing. Allele origin: germline.
Comment: This sequence change replaces leucine, which is neutral and non-polar, with proline, which is neutral and non-polar, at codon 159 of the SDHD protein (p.Leu159Pro). This variant is not present in population databases (gnomAD no frequency). This variant has not been reported in the literature in individuals affected with SDHD-related conditions. ClinVar contains an entry for this variant (Variation ID: 1504533). Advanced modeling of protein sequence and biophysical properties (such as structural, functional, and spatial information, amino acid conservation, physicochemical variation, residue mobility, and thermodynamic stability) has been performed at Invitae for this missense variant, however the output from this modeling did not meet the statistical confidence thresholds required to predict the impact of this variant on SDHD protein function. In summary, the available evidence is currently insufficient to determine the role of this variant in disease. Therefore, it has been classified as a Variant of Uncertain Significance.

NM_003002.4(SDHD):c.476T>C (p.Leu159Pro)

Gene: SDHD (succinate dehydrogenase complex subunit D; plus strand). Cytogenetic location: 11q23.1.
Variant type: single nucleotide variant.
Coding change: c.476T>C on transcript NM_003002.4 (MANE Select); coding-DNA position 476, T replaced by C.
Protein change: p.Leu159Pro; replaces leucine 159 with proline.
Molecular consequence: missense variant. On other transcripts: 3 prime UTR variant (2), non-coding transcript variant (1).
Genome position (GRCh38, 1-based): chr11:112,094,966, T>C. VCF-style: chr11-112094966-T-C. GRCh37 (hg19) VCF-style: chr11-111965690-T-C.
Other names: c.*73T>C (NM_001276503.2); c.359T>C, p.Leu120Pro (NM_001276504.2); c.*174T>C (NM_001276506.2); c.476T>C (NM_003002.2); short protein forms L159P, L120P.
Identifiers: ClinVar variation 1504533 (VCV001504533.9), dbSNP rs2135277858, ClinGen allele CA382619600.